The following is an entry in ClinVar:

ClinVar aggregate classification (germline): Uncertain significance. Review status: criteria provided, multiple submitters, no conflicts (2 of 4 stars). 2 submissions from 2 submitters: Uncertain significance (2). Last evaluated 2025-12-11.

Conditions:
Hereditary cancer-predisposing syndrome. Also called: Neoplastic Syndromes, Hereditary; Hereditary neoplastic syndrome; Tumor predisposition; Hereditary Cancer Syndrome. Identifiers: Orphanet 140162, MedGen C0027672, MeSH D009386, MONDO:0015356.
Birt-Hogg-Dube syndrome. Also called: Birt Hogg Dubé syndrome. Identifiers: Orphanet 122, MedGen C0346010, MONDO:0800444.

Submissions (2):

Ambry Genetics
Classification: Uncertain significance for Hereditary cancer-predisposing syndrome. Last evaluated: 2025-12-11. Review status: criteria provided, single submitter. Criteria: Ambry Variant Classification Scheme 2023. Collection method: clinical testing. Allele origin: germline.
Comment: The p.A277S variant (also known as c.829G>T), located in coding exon 5 of the FLCN gene, results from a G to T substitution at nucleotide position 829. The alanine at codon 277 is replaced by serine, an amino acid with similar properties. This amino acid position is conserved. In addition, the in silico prediction for this alteration is inconclusive. Based on the available evidence, the clinical significance of this variant remains unclear.

Labcorp Genetics (formerly Invitae), Labcorp
Classification: Uncertain significance for Birt-Hogg-Dube syndrome. Last evaluated: 2024-07-21. Review status: criteria provided, single submitter. Criteria: Invitae Variant Classification Sherloc (09022015). Collection method: clinical testing. Allele origin: germline.
Comment: This sequence change replaces alanine, which is neutral and non-polar, with serine, which is neutral and polar, at codon 277 of the FLCN protein (p.Ala277Ser). This variant is not present in population databases (gnomAD no frequency). This variant has not been reported in the literature in individuals affected with FLCN-related conditions. Advanced modeling of protein sequence and biophysical properties (such as structural, functional, and spatial information, amino acid conservation, physicochemical variation, residue mobility, and thermodynamic stability) performed at Invitae indicates that this missense variant is not expected to disrupt FLCN protein function with a negative predictive value of 80%. In summary, the available evidence is currently insufficient to determine the role of this variant in disease. Therefore, it has been classified as a Variant of Uncertain Significance.

NM_144997.7(FLCN):c.829G>T (p.Ala277Ser)

Gene: FLCN (folliculin; minus strand). Cytogenetic location: 17p11.2.
Variant type: single nucleotide variant.
Coding change: c.829G>T on transcript NM_144997.7 (MANE Select); coding-DNA position 829, G replaced by T.
Protein change: p.Ala277Ser; replaces alanine 277 with serine.
Molecular consequence: missense variant.
Genome position (GRCh38, 1-based): chr17:17,221,579, C>A on the plus strand (G>T on the coding strand, the complement: FLCN is on the minus strand). VCF-style: chr17-17221579-C-A. GRCh37 (hg19) VCF-style: chr17-17124893-C-A.
Other names: c.883G>T, p.Ala295Ser (NM_001353229.2); c.829G>T, p.Ala277Ser (NM_001353230.2, NM_001353231.2, NM_144606.7); short protein forms A277S, A295S.
Identifiers: ClinVar variation 3660057 (VCV003660057.3).